The following is an entry in ClinVar:

NM_006514.4(SCN10A):c.2280+3A>G

Gene: SCN10A (sodium voltage-gated channel alpha subunit 10; minus strand). Cytogenetic location: 3p22.2.
Variant type: single nucleotide variant.
Coding change: c.2280+3A>G on transcript NM_006514.4 (MANE Select); 3 bases into the intron after coding-DNA position 2280, A replaced by G.
Molecular consequence: intron variant.
Genome position (GRCh38, 1-based): chr3:38,739,512, T>C on the plus strand (A>G on the coding strand, the complement: SCN10A is on the minus strand). VCF-style: chr3-38739512-T-C. GRCh37 (hg19) VCF-style: chr3-38781003-T-C.
Other names: c.1986+3A>G (NM_001293307.2); c.2280+3A>G (NM_001293306.2).
Identifiers: ClinVar variation 1788926 (VCV001788926.2), dbSNP rs2470724273, ClinGen allele CA2580069766.
Genomic context (GRCh38, chr3:38,739,512, plus strand): 5'-AGCACAGTGTCTTCCCTGAATCTGGGTGGGAGTTTCCCCAAGCCATCAAGAGAAAAACAT[T>C]ACCAAGCGGAAGCTCCGCAGCACAGACAGGCTTCCCTTCTTGGCCACGCCCAGCTCTAGC-3'

ClinVar aggregate classification (germline): Uncertain significance (1 of 4 stars; one submission).

Conditions:
Cardiovascular phenotype. Identifiers: MedGen CN230736.

Allele frequency attached by ClinVar (database versions not stated): gnomAD exomes below 0.00001.
gnomAD v4.1: 1 of 1,612,536 alleles (0.000062%); highest among the groups gnomAD compares: Non-Finnish European, 0.000085%; no homozygotes.

Submission:

Ambry Genetics
Classification: Uncertain significance for Cardiovascular phenotype. Last evaluated: 2022-01-14. Review status: criteria provided, single submitter. Criteria: Ambry Variant Classification Scheme 2023. Collection method: clinical testing. Allele origin: germline.
Comment: The c.2280+3A>G intronic variant results from an A to G substitution 3 nucleotides after coding exon 14 in the SCN10A gene. This nucleotide position is well conserved in available vertebrate species. In silico splice site analysis predicts that this alteration will weaken the native splice donor site. The evidence for this gene-disease relationship is limited; therefore, the clinical significance of this alteration is unclear.